The following is an entry in ClinVar:

NM_000038.6(APC):c.4900C>A (p.Pro1634Thr)

Gene: APC (APC regulator of Wnt signaling pathway; plus strand). Cytogenetic location: 5q22.2.
Variant type: single nucleotide variant.
Coding change: c.4900C>A on transcript NM_000038.6 (MANE Select); coding-DNA position 4900, C replaced by A.
Protein change: p.Pro1634Thr; replaces proline 1634 with threonine.
Molecular consequence: missense variant. On other transcripts: non-coding transcript variant (2).
Genome position (GRCh38, 1-based): chr5:112,840,494, C>A. VCF-style: chr5-112840494-C-A. GRCh37 (hg19) VCF-style: chr5-112176191-C-A.
Other names: c.4846C>A, p.Pro1616Thr (NM_001127511.3); c.4900C>A, p.Pro1634Thr (NM_001354895.2, NM_001127510.3, NM_001407450.1); c.4954C>A, p.Pro1652Thr (NM_001354896.2, NM_001407447.1, NM_001407448.1 and 1 more transcripts); c.4930C>A, p.Pro1644Thr (NM_001354897.2); c.4825C>A, p.Pro1609Thr (NM_001354898.2); c.4816C>A, p.Pro1606Thr (NM_001354899.2); c.4777C>A, p.Pro1593Thr (NM_001354900.2); c.4723C>A, p.Pro1575Thr (NM_001354901.2, NM_001407453.1); and 11 more; short protein forms P1250T, P1351T, P1474T, P1505T, P1508T, P1533T, P1543T, P1551T.
Identifiers: ClinVar variation 4281360 (VCV004281360.7).

ClinVar aggregate classification (germline): Uncertain significance (1 of 4 stars; one submission).

Submission:

CeGaT Center for Human Genetics Tuebingen
Classification: Uncertain significance. Last evaluated: 2025-09-01. Review status: criteria provided, single submitter. Criteria: CeGaT Center For Human Genetics Tuebingen Variant Classification Criteria Version 2. Collection method: clinical testing. Allele origin: germline. Affected: yes. Observed: 1 variant allele.
Comment: APC: PM2, BP1